The following is an entry in ClinVar:

ClinVar aggregate classification (germline): Likely benign. Review status: criteria provided, multiple submitters, no conflicts (2 of 4 stars). 2 submissions from 2 submitters: Likely benign (2). Last evaluated 2023-07-25.

Conditions:
Fanconi anemia (FA). Also called: Fanconi's anemia. Identifiers: Orphanet 84, MedGen C0015625, MeSH D005199, MONDO:0019391.

Submissions (2):

Labcorp Genetics (formerly Invitae), Labcorp
Classification: Likely benign for Fanconi anemia. Last evaluated: 2023-07-25. Review status: criteria provided, single submitter. Criteria: Invitae Variant Classification Sherloc (09022015). Collection method: clinical testing. Allele origin: germline.

GeneDx
Classification: Likely benign. Last evaluated: 2017-03-09. Review status: criteria provided, single submitter. Criteria: GeneDx Variant Classification (06012015). Collection method: clinical testing. Allele origin: germline. Affected: yes.
Comment: This variant is considered likely benign or benign based on one or more of the following criteria: it is a conservative change, it occurs at a poorly conserved position in the protein, it is predicted to be benign by multiple in silico algorithms, and/or has population frequency not consistent with disease.

NM_000136.3(FANCC):c.-36G>A

Gene: FANCC (FA complementation group C; minus strand). Cytogenetic location: 9q22.32.
Variant type: single nucleotide variant.
Coding change: c.-36G>A on transcript NM_000136.3 (MANE Select); 36 bases upstream of the start codon, G replaced by A.
Molecular consequence: 5 prime UTR variant.
Genome position (GRCh38, 1-based): chr9:95,249,327, C>T on the plus strand (G>A on the coding strand, the complement: FANCC is on the minus strand). VCF-style: chr9-95249327-C-T. GRCh37 (hg19) VCF-style: chr9-98011609-C-T.
Other names: c.-36G>A (NM_001243743.2, NM_001243744.2).
Identifiers: ClinVar variation 507922 (VCV000507922.8), dbSNP rs1226649340, ClinGen allele CA658797229.
Genomic context (GRCh38, chr9:95,249,327, plus strand): 5'-AAAGATCTACTGAATCTTGAGCCATCTTGGAAAAAGCGAAAAGGTGATGTCCCTTCACAG[C>T]AGCCTGTCCAGCACTGAAGGAAATGGTCGGCACACATTAAATCTGTAAGAAAGGGAACAA-3'